The following is an entry in ClinVar:

NM_000090.4(COL3A1):c.490G>A (p.Val164Ile)

Gene: COL3A1 (collagen type III alpha 1 chain; plus strand). Cytogenetic location: 2q32.2.
Variant type: single nucleotide variant.
Coding change: c.490G>A on transcript NM_000090.4 (MANE Select); coding-DNA position 490, G replaced by A.
Protein change: p.Val164Ile; replaces valine 164 with isoleucine.
Molecular consequence: missense variant.
Genome position (GRCh38, 1-based): chr2:188,987,101, G>A. VCF-style: chr2-188987101-G-A. GRCh37 (hg19) VCF-style: chr2-189851827-G-A.
Other names: short protein forms V164I.
Identifiers: ClinVar variation 3386433 (VCV003386433.1).

ClinVar aggregate classification (germline): Uncertain significance (1 of 4 stars; one submission).

Conditions:
Ehlers-Danlos syndrome, type 4 (EDSVASC). Also called: Ehlers-Danlos syndrome vascular type; Ehlers Danlos syndrome, ecchymotic type; Ehlers Danlos syndrome, arterial type; Ehlers Danlos syndrome, Sack-Barabas type; Ehlers-Danlos Syndrome Type IV. Identifiers: Orphanet 286, MedGen C0268338, MONDO:0017314, OMIM 130050.

gnomAD v4.1: 1 of 1,613,078 alleles (0.000062%); highest among the groups gnomAD compares: Non-Finnish European, 0.000085%; no homozygotes.

Submission:

All of Us Research Program, National Institutes of Health
Classification: Uncertain significance for Ehlers-Danlos syndrome, type 4. Last evaluated: 2024-03-24. Review status: criteria provided, single submitter. Criteria: ACMG Guidelines, 2015. Collection method: clinical testing. Allele origin: germline. Inheritance: Autosomal dominant inheritance. Observed: 1 variant allele, 1 heterozygote.
Comment: This missense variant replaces valine with isoleucine at codon 164 of the COL3A1 protein. Computational prediction suggests that this variant may not impact protein structure and function (internally defined REVEL score threshold <= 0.5, PMID: 27666373). To our knowledge, functional studies have not been reported for this variant. This variant has not been reported in individuals affected with COL3A1-related disorders in the literature. This variant has not been identified in the general population by the Genome Aggregation Database (gnomAD). The available evidence is insufficient to determine the role of this variant in disease conclusively. Therefore, this variant is classified as a Variant of Uncertain Significance.

This study involves interpretation of variants in research participants for the purpose of population health screening. Participant phenotype was not available at the time of variant classification. Additional details can be found in publication PMID: 35346344, PMCID: PMC8962531